The following is an entry in ClinVar:

NM_001329943.3(KIAA0586):c.540T>A (p.Ala180=)

Gene: KIAA0586 (KIAA0586; plus strand). Cytogenetic location: 14q23.1.
Variant type: single nucleotide variant.
Coding change: c.540T>A on transcript NM_001329943.3 (MANE Select); coding-DNA position 540, T replaced by A.
Protein change: p.Ala180=; no amino-acid change (alanine 180 retained).
Molecular consequence: synonymous variant.
Genome position (GRCh38, 1-based): chr14:58,442,835, T>A. VCF-style: chr14-58442835-T-A. GRCh37 (hg19) VCF-style: chr14-58909553-T-A.
Other names: c.699T>A, p.Ala233= (NM_001244189.2); c.495T>A, p.Ala165= (NM_001244190.2); c.285T>A, p.Ala95= (NM_001244191.2, NM_001329945.2, NM_001364700.1 and 1 more transcripts); c.408T>A, p.Ala136= (NM_001244192.2); c.120T>A, p.Ala40= (NM_001244193.2); c.540T>A, p.Ala180= (NM_001329944.2, NM_001329946.2, NM_001329947.2 and 1 more transcripts).
Identifiers: ClinVar variation 2672561 (VCV002672561.23), dbSNP rs1484496099, ClinGen allele CA486536574.

ClinVar aggregate classification (germline): Likely benign (1 of 4 stars; one submission).

Submission:

CeGaT Center for Human Genetics Tuebingen
Classification: Likely benign. Last evaluated: 2023-11-01. Review status: criteria provided, single submitter. Criteria: CeGaT Center For Human Genetics Tuebingen Variant Classification Criteria Version 2. Collection method: clinical testing. Allele origin: germline. Affected: yes. Observed: 1 variant allele.
Comment: KIAA0586: PM2:Supporting, BP4, BP7